The following is an entry in ClinVar:

ClinVar aggregate classification (germline): Uncertain significance. Review status: criteria provided, multiple submitters, no conflicts (2 of 4 stars). 2 submissions from 2 submitters: Uncertain significance (2). Last evaluated 2025-03-20.

Conditions:
Congenital primary aphakia. Also called: Anterior segment dysgenesis 2, multiple subtypes; ANTERIOR SEGMENT DYSGENESIS 2. Identifiers: Orphanet 83461, MedGen C1853230, MONDO:0012456, OMIM 610256.
Anterior segment dysgenesis. Also called: Ocular anterior segment dysgenesis. Identifiers: Orphanet 88632, MedGen C1862839, MONDO:0019503, HP:0007700.
Cardiovascular phenotype. Identifiers: MedGen CN230736.

Submissions (2):

Ambry Genetics
Classification: Uncertain significance for Cardiovascular phenotype. Last evaluated: 2025-03-20. Review status: criteria provided, single submitter. Criteria: Ambry Variant Classification Scheme 2023. Collection method: clinical testing. Allele origin: germline.
Comment: The p.P180L variant (also known as c.539C>T), located in coding exon 1 of the FOXE3 gene, results from a C to T substitution at nucleotide position 539. The proline at codon 180 is replaced by leucine, an amino acid with similar properties. This amino acid position is conserved. In addition, this alteration is predicted to be tolerated by in silico analysis. Since supporting evidence is limited at this time, the clinical significance of this alteration remains unclear.

Labcorp Genetics (formerly Invitae), Labcorp
Classification: Uncertain significance for Anterior segment dysgenesis; Congenital primary aphakia. Last evaluated: 2024-10-21. Review status: criteria provided, single submitter. Criteria: Invitae Variant Classification Sherloc (09022015). Collection method: clinical testing. Allele origin: germline.
Comment: This sequence change replaces proline, which is neutral and non-polar, with leucine, which is neutral and non-polar, at codon 180 of the FOXE3 protein (p.Pro180Leu). This variant is not present in population databases (gnomAD no frequency). This variant has not been reported in the literature in individuals affected with FOXE3-related conditions. Invitae Evidence Modeling of protein sequence and biophysical properties (such as structural, functional, and spatial information, amino acid conservation, physicochemical variation, residue mobility, and thermodynamic stability) indicates that this missense variant is not expected to disrupt FOXE3 protein function with a negative predictive value of 80%. In summary, the available evidence is currently insufficient to determine the role of this variant in disease. Therefore, it has been classified as a Variant of Uncertain Significance.

NM_012186.3(FOXE3):c.539C>T (p.Pro180Leu)

Genes: FOXE3 (forkhead box E3; plus strand), LINC01389 (long independently transcribed non-coding RNA 1389; minus strand). Cytogenetic location: 1p33.
Variant type: single nucleotide variant.
Coding change: c.539C>T on transcript NM_012186.3 (MANE Select); coding-DNA position 539, C replaced by T.
Protein change: p.Pro180Leu; replaces proline 180 with leucine.
Molecular consequence: missense variant.
Genome position (GRCh38, 1-based): chr1:47,416,854, C>T. VCF-style: chr1-47416854-C-T. GRCh37 (hg19) VCF-style: chr1-47882526-C-T.
Other names: c.539C>T (NM_012186.2); short protein forms P180L.
Identifiers: ClinVar variation 3758188 (VCV003758188.3).
Genomic context (GRCh38, chr1:47,416,854, plus strand): 5'-TCCTGCGGCGCCGCAAGCGCTTCAAGCGCGCCGAGCTGCCCGCGCACGCGGCCGCGGCGC[C>T]AGGGCCGCCGCTCCCCTTCCCCTACGCGCCCTACGCGCCCGCGCCCGGCCCCGCGCTGCT-3'
Protein context (NP_036318.1, residues 170-190): AELPAHAAAA[Pro180Leu]GPPLPFPYAP